The following is an entry in ClinVar:

NM_018055.5(NODAL):c.392G>A (p.Arg131Gln)

Gene: NODAL (nodal growth differentiation factor; minus strand). Cytogenetic location: 10q22.1.
Variant type: single nucleotide variant.
Coding change: c.392G>A on transcript NM_018055.5 (MANE Select); coding-DNA position 392, G replaced by A.
Protein change: p.Arg131Gln; replaces arginine 131 with glutamine.
Molecular consequence: missense variant. On other transcripts: 5 prime UTR variant (1).
Genome position (GRCh38, 1-based): chr10:70,435,785, C>T on the plus strand (G>A on the coding strand, the complement: NODAL is on the minus strand). VCF-style: chr10-70435785-C-T. GRCh37 (hg19) VCF-style: chr10-72195541-C-T.
Other names: c.-8G>A (NM_001329906.2); short protein forms R131Q.
Identifiers: ClinVar variation 3406515 (VCV003406515.2).

ClinVar aggregate classification (germline): Uncertain significance. Review status: criteria provided, multiple submitters, no conflicts (2 of 4 stars). 2 submissions from 2 submitters: Uncertain significance (2). Last evaluated 2025-07-21.

Conditions:
Inborn genetic diseases. Identifiers: MedGen C0950123, MeSH D030342.
Heterotaxy, visceral, 5, autosomal (HTX5). Also called: Heterotaxy, visceral, 5. Identifiers: Orphanet 450, MedGen C3495537, MONDO:0700112, OMIM 270100.

gnomAD v4.1: 20 of 1,614,012 alleles (0.0012%); highest among the groups gnomAD compares: East Asian, 0.016%; no homozygotes.

Submissions (2):

Labcorp Genetics (formerly Invitae), Labcorp
Classification: Uncertain significance for Heterotaxy, visceral, 5, autosomal. Last evaluated: 2025-07-21. Review status: criteria provided, single submitter. Criteria: Invitae Variant Classification Sherloc (09022015). Collection method: clinical testing. Allele origin: germline.
Comment: This sequence change replaces arginine, which is basic and polar, with glutamine, which is neutral and polar, at codon 131 of the NODAL protein (p.Arg131Gln). This variant is present in population databases (rs751514518, gnomAD 0.05%), and has an allele count higher than expected for a pathogenic variant. This variant has not been reported in the literature in individuals affected with NODAL-related conditions. ClinVar contains an entry for this variant (Variation ID: 3406515). Invitae Evidence Modeling of protein sequence and biophysical properties (such as structural, functional, and spatial information, amino acid conservation, physicochemical variation, residue mobility, and thermodynamic stability) indicates that this missense variant is not expected to disrupt NODAL protein function with a negative predictive value of 80%. In summary, the available evidence is currently insufficient to determine the role of this variant in disease. Therefore, it has been classified as a Variant of Uncertain Significance.

Ambry Genetics
Classification: Uncertain significance for Inborn genetic diseases. Last evaluated: 2024-12-10. Review status: criteria provided, single submitter. Criteria: Ambry Variant Classification Scheme 2023. Collection method: clinical testing. Allele origin: germline.